The following is an entry in ClinVar:

ClinVar aggregate classification (germline): Benign (1 of 4 stars; one submission).

Allele frequency attached by ClinVar (database versions not stated): 1000 Genomes Project 30x 0.00437; gnomAD 0.01001; ExAC 0.01105.

Submission:

CeGaT Center for Human Genetics Tuebingen
Classification: Benign. Last evaluated: 2023-08-01. Review status: criteria provided, single submitter. Criteria: CeGaT Center For Human Genetics Tuebingen Variant Classification Criteria Version 2. Collection method: clinical testing. Allele origin: germline. Affected: yes. Observed: 1 variant allele.
Comment: DSPP: BP4, BP7, BS1, BS2

NM_014208.3(DSPP):c.3240T>C (p.Asp1080=)

Genes: DMP1-AS1 (DMP1 and DSPP antisense RNA 1; minus strand), DSPP (dentin sialophosphoprotein; plus strand). Cytogenetic location: 4q22.1.
Variant type: single nucleotide variant.
Coding change: c.3240T>C on transcript NM_014208.3 (MANE Select); coding-DNA position 3240, T replaced by C.
Protein change: p.Asp1080=; no amino-acid change (aspartic acid 1080 retained).
Molecular consequence: synonymous variant.
Genome position (GRCh38, 1-based): chr4:87,615,902, T>C. VCF-style: chr4-87615902-T-C. GRCh37 (hg19) VCF-style: chr4-88537054-T-C.
Identifiers: ClinVar variation 2654905 (VCV002654905.24), dbSNP rs770176700, ClinGen allele CA3001490.
Genomic context (GRCh38, chr4:87,615,902, plus strand): 5'-CAGTGACAGCAGCGACAGCAGTGATAGCAGTGACAGCAGTGACAGCAGCGACAGCAGTGA[T>C]AGCAGTGAAAGCAGTGATAGCAGTGACAGCAGCAATAGCAGTGACAGCAGCGATAGCAGC-3'
Protein context (NP_055023.2, residues 1070-1090): SDSSDSSDSS[Asp1080=]SSESSDSSDS